The following is an entry in ClinVar:

ClinVar aggregate classification (germline): Uncertain significance (1 of 4 stars; one submission).

gnomAD v4.1: 1 of 1,612,696 alleles (0.000062%); highest among the groups gnomAD compares: Non-Finnish European, 0.000085%; no homozygotes.

Submission:

GeneDx
Classification: Uncertain significance. Last evaluated: 2025-04-28. Review status: criteria provided, single submitter. Criteria: GeneDx Variant Classification Process June 2021. Collection method: clinical testing. Allele origin: germline. Affected: yes.
Comment: Not observed at significant frequency in large population cohorts (gnomAD); In silico analysis supports that this missense variant has a deleterious effect on protein structure/function; Has not been previously published as pathogenic or benign to our knowledge

NM_001287491.2(TET3):c.4471G>A (p.Gly1491Arg)

Gene: TET3 (tet methylcytosine dioxygenase 3; plus strand). Cytogenetic location: 2p13.1.
Variant type: single nucleotide variant.
Coding change: c.4471G>A on transcript NM_001287491.2 (MANE Select); coding-DNA position 4471, G replaced by A.
Protein change: p.Gly1491Arg; replaces glycine 1491 with arginine.
Molecular consequence: missense variant.
Genome position (GRCh38, 1-based): chr2:74,101,259, G>A. VCF-style: chr2-74101259-G-A. GRCh37 (hg19) VCF-style: chr2-74328386-G-A.
Other names: c.4192G>A, p.Gly1398Arg (NM_001366022.1); short protein forms G1398R, G1491R.
Identifiers: ClinVar variation 4527462 (VCV004527462.1).